The following is an entry in ClinVar:

NM_020207.7(ERCC6L2):c.1411C>A (p.Gln471Lys)

Gene: ERCC6L2 (ERCC excision repair 6 like 2; plus strand). Cytogenetic location: 9q22.32.
Variant type: single nucleotide variant.
Coding change: c.1411C>A on transcript NM_020207.7 (MANE Select); coding-DNA position 1411, C replaced by A.
Protein change: p.Gln471Lys; replaces glutamine 471 with lysine.
Molecular consequence: missense variant. On other transcripts: non-coding transcript variant (1).
Genome position (GRCh38, 1-based): chr9:95,922,416, C>A. VCF-style: chr9-95922416-C-A. GRCh37 (hg19) VCF-style: chr9-98684698-C-A.
Other names: c.1411C>A, p.Gln471Lys (NM_001010895.4, NM_001375291.1, NM_001375292.1 and 2 more transcripts); short protein forms Q471K.
Identifiers: ClinVar variation 4618781 (VCV004618781.1).

ClinVar aggregate classification (germline): Uncertain significance (1 of 4 stars; one submission).

Conditions:
Inborn genetic diseases. Identifiers: MedGen C0950123, MeSH D030342.

gnomAD v4.1: 2 of 1,575,546 alleles (0.00013%); highest among the groups gnomAD compares: Non-Finnish European, 0.000087%; no homozygotes.

Submission:

Ambry Genetics
Classification: Uncertain significance for Inborn genetic diseases. Last evaluated: 2025-12-07. Review status: criteria provided, single submitter. Criteria: Ambry Variant Classification Scheme 2023. Collection method: clinical testing. Allele origin: germline.
Comment: The p.Q471K variant (also known as c.1411C>A), located in coding exon 8 of the ERCC6L2 gene, results from a C to A substitution at nucleotide position 1411. The glutamine at codon 471 is replaced by lysine, an amino acid with similar properties. This amino acid position is conserved. In addition, the in silico prediction for this alteration is inconclusive. Based on the available evidence, the clinical significance of this variant remains unclear.